The following is an entry in ClinVar:

ClinVar aggregate classification (germline): Uncertain significance (1 of 4 stars; one submission).

Allele frequency attached by ClinVar (database versions not stated): ExAC 0.00001; gnomAD exomes below 0.00001.
gnomAD v4.1: 1 of 1,611,820 alleles (0.000062%); no homozygotes.

Submission:

Labcorp Genetics (formerly Invitae), Labcorp
Classification: Uncertain significance. Last evaluated: 2025-02-17. Review status: criteria provided, single submitter. Criteria: Invitae Variant Classification Sherloc (09022015). Collection method: clinical testing. Allele origin: germline.
Comment: This sequence change replaces cysteine, which is neutral and slightly polar, with arginine, which is basic and polar, at codon 543 of the PLG protein (p.Cys543Arg). This variant is present in population databases (rs780012024, gnomAD 0.01%). This variant has not been reported in the literature in individuals affected with PLG-related conditions. ClinVar contains an entry for this variant (Variation ID: 2809898). Invitae Evidence Modeling of protein sequence and biophysical properties (such as structural, functional, and spatial information, amino acid conservation, physicochemical variation, residue mobility, and thermodynamic stability) indicates that this missense variant is not expected to disrupt PLG protein function with a negative predictive value of 80%. In summary, the available evidence is currently insufficient to determine the role of this variant in disease. Therefore, it has been classified as a Variant of Uncertain Significance.

NM_000301.5(PLG):c.1627T>C (p.Cys543Arg)

Gene: PLG (plasminogen; plus strand). Cytogenetic location: 6q26.
Variant type: single nucleotide variant.
Coding change: c.1627T>C on transcript NM_000301.5 (MANE Select); coding-DNA position 1627, T replaced by C.
Protein change: p.Cys543Arg; replaces cysteine 543 with arginine.
Molecular consequence: missense variant.
Genome position (GRCh38, 1-based): chr6:160,734,034, T>C. VCF-style: chr6-160734034-T-C. GRCh37 (hg19) VCF-style: chr6-161155066-T-C.
Other names: short protein forms C543R.
Identifiers: ClinVar variation 2809898 (VCV002809898.3), dbSNP rs780012024, ClinGen allele CA4087844.